The following is an entry in ClinVar:

ClinVar aggregate classification (germline): Uncertain significance (1 of 4 stars; one submission).

Conditions:
Shprintzen-Goldberg syndrome (SGS). Also called: SHPRINTZEN-GOLDBERG CRANIOSYNOSTOSIS SYNDROME; CRANIOSYNOSTOSIS WITH ARACHNODACTYLY AND ABDOMINAL HERNIAS; Marfanoid disorder with craniosynostosis type 1; Marfanoid craniosynostosis syndrome; Shprintzen-Goldberg marfanoid syndrome. Identifiers: Orphanet 2462, MedGen C1321551, MONDO:0008426, OMIM 182212.

Submission:

Labcorp Genetics (formerly Invitae), Labcorp
Classification: Uncertain significance for Shprintzen-Goldberg syndrome. Last evaluated: 2024-07-26. Review status: criteria provided, single submitter. Criteria: Invitae Variant Classification Sherloc (09022015). Collection method: clinical testing. Allele origin: germline.
Comment: This sequence change replaces tyrosine, which is neutral and polar, with aspartic acid, which is acidic and polar, at codon 313 of the SKI protein (p.Tyr313Asp). This variant is not present in population databases (gnomAD no frequency). This variant has not been reported in the literature in individuals affected with SKI-related conditions. ClinVar contains an entry for this variant (Variation ID: 2065577). Advanced modeling of protein sequence and biophysical properties (such as structural, functional, and spatial information, amino acid conservation, physicochemical variation, residue mobility, and thermodynamic stability) has been performed at Invitae for this missense variant, however the output from this modeling did not meet the statistical confidence thresholds required to predict the impact of this variant on SKI protein function. In summary, the available evidence is currently insufficient to determine the role of this variant in disease. Therefore, it has been classified as a Variant of Uncertain Significance.

NM_003036.4(SKI):c.937T>G (p.Tyr313Asp)

Gene: SKI (SKI proto-oncogene; plus strand). Cytogenetic location: 1p36.33.
Variant type: single nucleotide variant.
Coding change: c.937T>G on transcript NM_003036.4 (MANE Select); coding-DNA position 937, T replaced by G.
Protein change: p.Tyr313Asp; replaces tyrosine 313 with aspartic acid.
Molecular consequence: missense variant.
Genome position (GRCh38, 1-based): chr1:2,229,703, T>G. VCF-style: chr1-2229703-T-G. GRCh37 (hg19) VCF-style: chr1-2161142-T-G.
Other names: short protein forms Y313D.
Identifiers: ClinVar variation 2065577 (VCV002065577.4), dbSNP rs2527581034, ClinGen allele CA337956522.